The following is an entry in ClinVar:

NM_000419.5(ITGA2B):c.2841+13_2841+33del

Gene: ITGA2B (integrin subunit alpha 2b; minus strand). Cytogenetic location: 17q21.31.
Variant type: Deletion.
Coding change: c.2841+13_2841+33del on transcript NM_000419.5 (MANE Select); bases 13 to 33 of the intron after coding-DNA position 2841, 21 bases deleted (GTGGTGGGGCGGGGCCGGGCC).
Molecular consequence: intron variant.
Genome position (GRCh38, 1-based): chr17:44,374,965-44,374,985, GGCCCGGCCCCGCCCCACCAC deleted on the plus strand (GTGGTGGGGCGGGGCCGGGCC on the coding strand, the reverse complement: ITGA2B is on the minus strand); deleting any 21 consecutive bases within chr17:44,374,965-44,374,990 gives the same sequence; the c. name uses the placement nearest the transcript's 3' end. VCF-style (leftmost placement, unchanged base first): chr17-44374964-AGGCCCGGCCCCGCCCCACCAC-A. GRCh37 (hg19) VCF-style: chr17-42452332-AGGCCCGGCCCCGCCCCACCAC-A.
Identifiers: ClinVar variation 2972721 (VCV002972721.3), dbSNP rs2510073094, ClinGen allele CA2740093760.

ClinVar aggregate classification (germline): Uncertain significance (1 of 4 stars; one submission).

Conditions:
Glanzmann thrombasthenia. Also called: THROMBASTHENIA OF GLANZMANN AND NAEGELI; BLEEDING DISORDER, PLATELET-TYPE, 2; Glanzmann's thrombasthenia; PLATELET GLYCOPROTEIN IIb-IIIa DEFICIENCY; Thrombasthenia. Identifiers: Orphanet 849, MedGen C0040015, MONDO:0100326.

Submission:

Labcorp Genetics (formerly Invitae), Labcorp
Classification: Uncertain significance for Glanzmann thrombasthenia. Last evaluated: 2023-10-06. Review status: criteria provided, single submitter. Criteria: Invitae Variant Classification Sherloc (09022015). Collection method: clinical testing. Allele origin: germline.
Comment: This sequence change falls in intron 27 of the ITGA2B gene. It does not directly change the encoded amino acid sequence of the ITGA2B protein. This variant is not present in population databases (gnomAD no frequency). This variant has not been reported in the literature in individuals affected with ITGA2B-related conditions. Experimental studies and prediction algorithms are not available or were not evaluated, and the effect of this variant on mRNA splicing is currently unknown. In summary, the available evidence is currently insufficient to determine the role of this variant in disease. Therefore, it has been classified as a Variant of Uncertain Significance.